The following is an entry in ClinVar:

NM_000334.4(SCN4A):c.2144C>T (p.Ala715Val)

Genes: SCN4A (sodium voltage-gated channel alpha subunit 4; minus strand), GH-LCR (growth hormone locus control region; plus strand). Cytogenetic location: 17q23.3.
Variant type: single nucleotide variant.
Coding change: c.2144C>T on transcript NM_000334.4 (MANE Select); coding-DNA position 2144, C replaced by T.
Protein change: p.Ala715Val; replaces alanine 715 with valine.
Molecular consequence: missense variant.
Genome position (GRCh38, 1-based): chr17:63,957,394, G>A on the plus strand (C>T on the coding strand, the complement: SCN4A is on the minus strand). VCF-style: chr17-63957394-G-A. GRCh37 (hg19) VCF-style: chr17-62034754-G-A.
Other names: short protein forms A715V.
Identifiers: ClinVar variation 4808663 (VCV004808663.1).

ClinVar aggregate classification (germline): Uncertain significance (1 of 4 stars; one submission).

Conditions:
Hyperkalemic periodic paralysis. Also called: Familial hyperkalemic periodic paralysis; Gamstorp disease. Identifiers: Orphanet 682, MedGen C0238357, MONDO:0008224, OMIM 170500, HP:0007215.

Submission:

Labcorp Genetics (formerly Invitae), Labcorp
Classification: Uncertain significance for Hyperkalemic periodic paralysis. Last evaluated: 2025-04-11. Review status: criteria provided, single submitter. Criteria: Invitae Variant Classification Sherloc (09022015). Collection method: clinical testing. Allele origin: germline.
Comment: This sequence change replaces alanine, which is neutral and non-polar, with valine, which is neutral and non-polar, at codon 715 of the SCN4A protein (p.Ala715Val). This variant is not present in population databases (gnomAD no frequency). This variant has not been reported in the literature in individuals affected with SCN4A-related conditions. Invitae Evidence Modeling of protein sequence and biophysical properties (such as structural, functional, and spatial information, amino acid conservation, physicochemical variation, residue mobility, and thermodynamic stability) indicates that this missense variant is expected to disrupt SCN4A protein function with a positive predictive value of 80%. This variant disrupts the p.Ala715 amino acid residue in SCN4A. Other variant(s) that disrupt this residue have been determined to be pathogenic (PMID: 16786525, 22094069, 33965302). This suggests that this residue is clinically significant, and that variants that disrupt this residue are likely to be disease-causing. In summary, the available evidence is currently insufficient to determine the role of this variant in disease. Therefore, it has been classified as a Variant of Uncertain Significance.

Literature cited by the submitters: PubMed 16786525; PubMed 22094069; PubMed 33965302.